The following is an entry in ClinVar:

ClinVar aggregate classification (germline): Uncertain significance (1 of 4 stars; one submission).

Conditions:
Emery-Dreifuss muscular dystrophy 4, autosomal dominant (EDMD4). Also called: EMERY-DREIFUSS MUSCULAR DYSTROPHY 4 WITH VARIABLE FEATURES. Identifiers: Orphanet 261, MedGen C2751807, MONDO:0013071, OMIM 612998.
Autosomal recessive ataxia, Beauce type. Also called: SYNE1 Deficiency; Spinocerebellar ataxia, autosomal recessive 8; ATAXIA, RECESSIVE, OF BEAUCE; SYNE1-Related Autosomal Recessive Cerebellar Ataxia. Identifiers: Orphanet 88644, MedGen C1853116, MONDO:0012549, OMIM 610743.

Submission:

Labcorp Genetics (formerly Invitae), Labcorp
Classification: Uncertain significance for Emery-Dreifuss muscular dystrophy 4, autosomal dominant; Autosomal recessive ataxia, Beauce type. Last evaluated: 2022-02-28. Review status: criteria provided, single submitter. Criteria: Invitae Variant Classification Sherloc (09022015). Collection method: clinical testing. Allele origin: germline.
Comment: In summary, the available evidence is currently insufficient to determine the role of this variant in disease. Therefore, it has been classified as a Variant of Uncertain Significance. Algorithms developed to predict the effect of missense changes on protein structure and function (SIFT, PolyPhen-2, Align-GVGD) all suggest that this variant is likely to be disruptive. This variant has not been reported in the literature in individuals affected with SYNE1-related conditions. This variant is not present in population databases (gnomAD no frequency). This sequence change replaces lysine, which is basic and polar, with asparagine, which is neutral and polar, at codon 6097 of the SYNE1 protein (p.Lys6097Asn).

NM_182961.4(SYNE1):c.18504G>T (p.Lys6168Asn)

Gene: SYNE1 (spectrin repeat containing nuclear envelope protein 1; minus strand). Cytogenetic location: 6q25.2.
Variant type: single nucleotide variant.
Coding change: c.18504G>T on transcript NM_182961.4 (MANE Select); coding-DNA position 18504, G replaced by T.
Protein change: p.Lys6168Asn; replaces lysine 6168 with asparagine.
Molecular consequence: missense variant.
Genome position (GRCh38, 1-based): chr6:152,278,158, C>A on the plus strand (G>T on the coding strand, the complement: SYNE1 is on the minus strand). VCF-style: chr6-152278158-C-A. GRCh37 (hg19) VCF-style: chr6-152599293-C-A.
Other names: c.18291G>T, p.Lys6097Asn (NM_033071.5); short protein forms K6097N, K6168N.
Identifiers: ClinVar variation 2092178 (VCV002092178.4), dbSNP rs2551966425, ClinGen allele CA366094673.